The following is an entry in ClinVar:

ClinVar aggregate classification (germline): Conflicting classifications of pathogenicity. Review status: criteria provided, conflicting classifications (1 of 4 stars). 5 submissions from 4 submitters: Uncertain significance (2); Likely benign (3). Last evaluated 2025-11-10.

Conditions:
Autosomal recessive nonsyndromic hearing loss 21. Identifiers: Orphanet 90636, MedGen C1863655, MONDO:0011351, OMIM 603629.
Autosomal dominant nonsyndromic hearing loss 12. Also called: DEAFNESS, AUTOSOMAL DOMINANT 8. Identifiers: Orphanet 90635, MedGen C1832187, MONDO:0011102, OMIM 601543.

Allele frequency attached by ClinVar (database versions not stated): gnomAD 0.00006 and 0.00007; gnomAD exomes 0.00009; ExAC 0.00010; TOPMed 0.00010; ESP Exome Variant Server 0.00015; 1000 Genomes Project 30x 0.00016; 1000 Genomes Project 0.00020.
gnomAD v4.1: 161 of 1,614,172 alleles (0.01%); highest among the groups gnomAD compares: East Asian, 0.022%; no homozygotes.

Submissions (5):

Labcorp Genetics (formerly Invitae), Labcorp
Classification: Likely benign. Last evaluated: 2025-11-10. Review status: criteria provided, single submitter. Criteria: Invitae Variant Classification Sherloc (09022015). Collection method: clinical testing. Allele origin: germline.

Blueprint Genetics
Classification: Likely benign. Last evaluated: 2023-12-13. Review status: criteria provided, single submitter. Criteria: ACMG Guidelines, 2015. Collection method: clinical testing. Allele origin: germline.

GeneDx
Classification: Likely benign. Last evaluated: 2021-06-07. Review status: criteria provided, single submitter. Criteria: GeneDx Variant Classification Process June 2021. Collection method: clinical testing. Allele origin: germline. Affected: yes.
Comment: This variant is associated with the following publications: (PMID: 27535533)

Illumina Laboratory Services, Illumina
Classification: Uncertain significance for Autosomal dominant nonsyndromic hearing loss 12. Last evaluated: 2018-01-13. Review status: criteria provided, single submitter. Criteria: ICSL Variant Classification Criteria 13 December 2019. Collection method: clinical testing. Allele origin: germline.

Illumina Laboratory Services, Illumina
Classification: Uncertain significance for Autosomal recessive nonsyndromic hearing loss 21. Last evaluated: 2018-01-13. Review status: criteria provided, single submitter. Criteria: ICSL Variant Classification Criteria 13 December 2019. Collection method: clinical testing. Allele origin: germline.

NM_005422.4(TECTA):c.6135C>T (p.Cys2045=)

Genes: TBCEL-TECTA (TBCEL-TECTA readthrough; plus strand), TECTA (tectorin alpha; plus strand). Cytogenetic location: 11q23.3.
Variant type: single nucleotide variant.
Coding change: c.6135C>T on transcript NM_005422.4 (MANE Select); coding-DNA position 6135, C replaced by T.
Protein change: p.Cys2045=; no amino-acid change (cysteine 2045 retained).
Molecular consequence: synonymous variant.
Genome position (GRCh38, 1-based): chr11:121,187,967, C>T. VCF-style: chr11-121187967-C-T. GRCh37 (hg19) VCF-style: chr11-121058676-C-T.
Other names: c.7077C>T, p.Cys2359= (NM_001378761.1).
Identifiers: ClinVar variation 303043 (VCV000303043.10), dbSNP rs139552118, ClinGen allele CA6327887.